The following is an entry in ClinVar:

NM_002294.3(LAMP2):c.519A>G (p.Val173=)

Gene: LAMP2 (lysosome associated membrane protein 2; minus strand). Cytogenetic location: Xq24.
Variant type: single nucleotide variant.
Coding change: c.519A>G on transcript NM_002294.3 (MANE Select); coding-DNA position 519, A replaced by G.
Protein change: p.Val173=; no amino-acid change (valine 173 retained).
Molecular consequence: synonymous variant.
Genome position (GRCh38, 1-based): chrX:120,449,007, T>C on the plus strand (A>G on the coding strand, the complement: LAMP2 is on the minus strand). VCF-style: chrX-120449007-T-C. GRCh37 (hg19) VCF-style: chrX-119582862-T-C.
Other names: c.519A>G, p.Val173= (NM_001122606.1, NM_013995.2).
Identifiers: ClinVar variation 415501 (VCV000415501.43), dbSNP rs1060504543, ClinGen allele CA16616613.
Genomic context (GRCh38, chrX:120,449,007, plus strand): 5'-AGAGAAATATATACTTTACTCACCATTTGTGCTCACTGTGCCATTTTGGACAAAAGCTTG[T>C]ACAAGAACATCCCAGTAGTGTTGGACAACATCATTCTTTTCCAAAGTTGATAAACTATTG-3'
Protein context (NP_002285.1, residues 163-183): DVVQHYWDVL[Val173=]QAFVQNGTVS

ClinVar aggregate classification (germline): Conflicting classifications of pathogenicity. Review status: criteria provided, conflicting classifications (1 of 4 stars). 5 submissions from 5 submitters: Uncertain significance (1); Likely benign (4). Last evaluated 2026-02-03.

Conditions:
LAMP2-related disorder. Also called: LAMP2-related condition.
Cardiovascular phenotype. Identifiers: MedGen CN230736.
Cardiomyopathy (CMYO). Also called: Cardiomyopathies. Identifiers: Orphanet 167848, MedGen C0878544, MONDO:0004994, HP:0001638. Inheritance: Various modes of inheritance.
Danon disease. Also called: ANTOPOL DISEASE; PSEUDOGLYCOGENOSIS II; GSD IIb; LYSOSOMAL GLYCOGEN STORAGE DISEASE WITHOUT ACID MALTASE DEFICIENCY; Glycogen Storage Disease Type IIb. Identifiers: Orphanet 34587, MedGen C0878677, MONDO:0010281, OMIM 300257.

Allele frequency attached by ClinVar (database versions not stated): gnomAD exomes 0.00001 and 0.00004; gnomAD 0.00003; TOPMed 0.00005.
gnomAD v4.1: 44 of 1,208,098 alleles (0.0036%); highest among the groups gnomAD compares: Non-Finnish European, 0.0045%; no homozygotes.

Submissions (5):

Labcorp Genetics (formerly Invitae), Labcorp
Classification: Likely benign for Danon disease. Last evaluated: 2026-02-03. Review status: criteria provided, single submitter. Criteria: Invitae Variant Classification Sherloc (09022015). Collection method: clinical testing. Allele origin: germline.

PreventionGenetics, part of Exact Sciences
Classification: Likely benign for LAMP2-related condition. Last evaluated: 2025-09-30. Review status: criteria provided, single submitter. Criteria: ACMG Guidelines, 2015. Collection method: clinical testing. Allele origin: germline.
Comment: This variant is classified as likely benign based on ACMG/AMP sequence variant interpretation guidelines (Richards et al. 2015 PMID: 25741868, with internal and published modifications).

CeGaT Center for Human Genetics Tuebingen
Classification: Likely benign. Last evaluated: 2023-08-01. Review status: criteria provided, single submitter. Criteria: CeGaT Center For Human Genetics Tuebingen Variant Classification Criteria Version 2. Collection method: clinical testing. Allele origin: germline. Affected: yes. Observed: 1 variant allele.
Comment: LAMP2: BP4, BP7

Ambry Genetics
Classification: Likely benign for Cardiovascular phenotype. Last evaluated: 2022-05-02. Review status: criteria provided, single submitter. Criteria: Ambry Variant Classification Scheme 2023. Collection method: clinical testing. Allele origin: germline.

CHEO Genetics Diagnostic Laboratory, Children's Hospital of Eastern Ontario
Classification: Uncertain significance for Cardiomyopathy. Last evaluated: 2016-02-23. Review status: criteria provided, single submitter. Criteria: ACMG Guidelines, 2015. Collection method: clinical testing. Allele origin: germline. Study: Canadian Open Genetics Repository.